The following is an entry in ClinVar:

ClinVar aggregate classification (germline): Uncertain significance (1 of 4 stars; one submission).

Submission:

GeneDx
Classification: Uncertain significance. Last evaluated: 2025-03-13. Review status: criteria provided, single submitter. Criteria: GeneDx Variant Classification Process June 2021. Collection method: clinical testing. Allele origin: germline.
Comment: Not observed at significant frequency in large population cohorts (gnomAD); In silico analysis supports that this missense variant has a deleterious effect on protein structure/function; Has not been previously published as pathogenic or benign to our knowledge

NM_001127644.2(GABRA1):c.191G>T (p.Arg64Leu)

Gene: GABRA1 (gamma-aminobutyric acid type A receptor subunit alpha1; plus strand). Cytogenetic location: 5q34.
Variant type: single nucleotide variant.
Coding change: c.191G>T on transcript NM_001127644.2 (MANE Select); coding-DNA position 191, G replaced by T.
Protein change: p.Arg64Leu; replaces arginine 64 with leucine.
Molecular consequence: missense variant.
Genome position (GRCh38, 1-based): chr5:161,865,724, G>T. VCF-style: chr5-161865724-G-T. GRCh37 (hg19) VCF-style: chr5-161292730-G-T.
Other names: c.191G>T, p.Arg64Leu (NM_000806.5, NM_001127643.2, NM_001127645.2 and 1 more transcripts); short protein forms R64L.
Identifiers: ClinVar variation 3252850 (VCV003252850.2), dbSNP rs1753807587.